The following is an entry in ClinVar:

ClinVar aggregate classification (germline): Uncertain significance (1 of 4 stars; one submission).

Submission:

Women's Health and Genetics/Laboratory Corporation of America, LabCorp
Classification: Uncertain significance. Last evaluated: 2025-06-20. Review status: criteria provided, single submitter. Criteria: LabCorp Variant Classification Summary - May 2015. Collection method: clinical testing. Allele origin: germline.
Comment: Variant summary: ERCC5 c.527A>T (p.Gln176Leu) results in a non-conservative amino acid change in the encoded protein sequence. Algorithms developed to predict the effect of missense changes on protein structure and function are either unavailable or do not agree on the potential impact of this missense change. The variant was absent in 250768 control chromosomes. The available data on variant occurrences in the general population are insufficient to allow any conclusion about variant significance. To our knowledge, no occurrence of c.527A>T in individuals affected with Xeroderma Pigmentosum and no experimental evidence demonstrating its impact on protein function have been reported. No submitters have cited clinical-significance assessments for this variant to ClinVar. Based on the evidence outlined above, the variant was classified as uncertain significance.

NM_000123.4(ERCC5):c.527A>T (p.Gln176Leu)

Genes: BIVM-ERCC5 (BIVM-ERCC5 readthrough; plus strand), ERCC5 (ERCC excision repair 5, endonuclease; plus strand). Cytogenetic location: 13q33.1.
Variant type: single nucleotide variant.
Coding change: c.527A>T on transcript NM_000123.4 (MANE Select); coding-DNA position 527, A replaced by T.
Protein change: p.Gln176Leu; replaces glutamine 176 with leucine.
Molecular consequence: missense variant.
Genome position (GRCh38, 1-based): chr13:102,856,111, A>T. VCF-style: chr13-102856111-A-T. GRCh37 (hg19) VCF-style: chr13-103508461-A-T.
Other names: c.1889A>T, p.Gln630Leu (NM_001204425.2); short protein forms Q176L, Q630L.
Identifiers: ClinVar variation 3907620 (VCV003907620.1).